The following is an entry in ClinVar:

ClinVar aggregate classification (germline): Uncertain significance (1 of 4 stars; one submission).

Conditions:
Emery-Dreifuss muscular dystrophy 5, autosomal dominant (EDMD5). Also called: EMERY-DREIFUSS MUSCULAR DYSTROPHY 5. Identifiers: Orphanet 261, MedGen C2751805, MONDO:0013072, OMIM 612999.

Allele frequency attached by ClinVar (database versions not stated): gnomAD exomes 0.00001.
gnomAD v4.1: 3 of 1,613,974 alleles (0.00019%); highest among the groups gnomAD compares: Admixed American, 0.005%; no homozygotes.

Submission:

Labcorp Genetics (formerly Invitae), Labcorp
Classification: Uncertain significance for Emery-Dreifuss muscular dystrophy 5, autosomal dominant. Last evaluated: 2022-07-11. Review status: criteria provided, single submitter. Criteria: Invitae Variant Classification Sherloc (09022015). Collection method: clinical testing. Allele origin: germline.
Comment: This variant has not been reported in the literature in individuals affected with SYNE2-related conditions. This variant is present in population databases (no rsID available, gnomAD 0.009%). This sequence change replaces serine, which is neutral and polar, with tyrosine, which is neutral and polar, at codon 5271 of the SYNE2 protein (p.Ser5271Tyr). Algorithms developed to predict the effect of missense changes on protein structure and function are either unavailable or do not agree on the potential impact of this missense change (SIFT: "Tolerated"; PolyPhen-2: "Probably Damaging"; Align-GVGD: "Class C0"). In summary, the available evidence is currently insufficient to determine the role of this variant in disease. Therefore, it has been classified as a Variant of Uncertain Significance.

NM_182914.3(SYNE2):c.15812C>A (p.Ser5271Tyr)

Gene: SYNE2 (spectrin repeat containing nuclear envelope protein 2; plus strand). Cytogenetic location: 14q23.2.
Variant type: single nucleotide variant.
Coding change: c.15812C>A on transcript NM_182914.3 (MANE Select); coding-DNA position 15812, C replaced by A.
Protein change: p.Ser5271Tyr; replaces serine 5271 with tyrosine.
Molecular consequence: missense variant.
Genome position (GRCh38, 1-based): chr14:64,158,644, C>A. VCF-style: chr14-64158644-C-A. GRCh37 (hg19) VCF-style: chr14-64625362-C-A.
Other names: c.15812C>A, p.Ser5271Tyr (NM_015180.6); short protein forms S5271Y.
Identifiers: ClinVar variation 1966092 (VCV001966092.5), dbSNP rs1379945454, ClinGen allele CA389953945.